The following is an entry in ClinVar:

ClinVar aggregate classification (germline): Uncertain significance (1 of 4 stars; one submission).

Submission:

GeneDx
Classification: Uncertain significance. Last evaluated: 2026-05-06. Review status: criteria provided, single submitter. Criteria: GeneDx Variant Classification Process June 2021. Collection method: clinical testing. Allele origin: germline.
Comment: Not observed at significant frequency in large population cohorts (gnomAD); In silico analysis supports that this missense variant has a deleterious effect on protein structure/function; Has not been previously published as pathogenic or benign to our knowledge

NM_000276.4(OCRL):c.1046T>C (p.Met349Thr)

Gene: OCRL (OCRL inositol polyphosphate-5-phosphatase; plus strand). Cytogenetic location: Xq26.1.
Variant type: single nucleotide variant.
Coding change: c.1046T>C on transcript NM_000276.4 (MANE Select); coding-DNA position 1046, T replaced by C.
Protein change: p.Met349Thr; replaces methionine 349 with threonine.
Molecular consequence: missense variant.
Genome position (GRCh38, 1-based): chrX:129,562,490, T>C. VCF-style: chrX-129562490-T-C. GRCh37 (hg19) VCF-style: chrX-128696467-T-C.
Other names: c.1049T>C, p.Met350Thr (NM_001318784.2); c.1046T>C, p.Met349Thr (NM_001587.4); short protein forms M349T, M350T.
Identifiers: ClinVar variation 4537549 (VCV004537549.2).